The following is an entry in ClinVar:

NM_032119.4(ADGRV1):c.4507G>A (p.Ala1503Thr)

Gene: ADGRV1 (adhesion G protein-coupled receptor V1; plus strand). Cytogenetic location: 5q14.3.
Variant type: single nucleotide variant.
Coding change: c.4507G>A on transcript NM_032119.4 (MANE Select); coding-DNA position 4507, G replaced by A.
Protein change: p.Ala1503Thr; replaces alanine 1503 with threonine.
Molecular consequence: missense variant. On other transcripts: non-coding transcript variant (1).
Genome position (GRCh38, 1-based): chr5:90,658,033, G>A. VCF-style: chr5-90658033-G-A. GRCh37 (hg19) VCF-style: chr5-89953850-G-A.
Other names: short protein forms A1503T.
Identifiers: ClinVar variation 110040 (VCV000110040.32), dbSNP rs201391886, ClinGen allele CA182179.

ClinVar aggregate classification (germline): Conflicting classifications of pathogenicity. Review status: criteria provided, conflicting classifications (1 of 4 stars). 13 submissions from 13 submitters: Uncertain significance (9); Likely benign (1). 3 of the submissions do not count toward it. Last evaluated 2026-08-04.

Conditions:
ADGRV1-related disorder. Also called: ADGRV1-related condition; ADGRV1-related disorders.
Retinal dystrophy. Also called: Inherited retinal dystrophy. Identifiers: Orphanet 71862, MedGen C0854723, MeSH D058499, MONDO:0019118, HP:0000556.
Febrile seizures, familial, 4 (FEB4). Also called: CONVULSIONS, FAMILIAL FEBRILE, 4. Identifiers: MedGen C1858493, MONDO:0011443, OMIM 604352.
Usher syndrome type 2C. Also called: Usher syndrome, type 2B; USHER SYNDROME, TYPE IIC. Identifiers: Orphanet 231178, Orphanet 886, MedGen C2931213, MONDO:0011558, OMIM 605472.

Allele frequency attached by ClinVar (database versions not stated): ESP Exome Variant Server 0.00008; TOPMed 0.00033; gnomAD 0.00034.
gnomAD v4.1: 630 of 1,613,728 alleles (0.039%); highest among the groups gnomAD compares: Non-Finnish European, 0.049%; no homozygotes.

Submissions (13):

PreventionGenetics, part of Exact Sciences
Classification: Uncertain significance for ADGRV1-related condition. Last evaluated: 2026-08-04. Review status: criteria provided, single submitter. Criteria: ACMG Guidelines, 2015. Collection method: clinical testing. Allele origin: germline.
Comment: The ADGRV1 c.4507G>A variant is predicted to result in the amino acid substitution p.Ala1503Thr. To our knowledge, this variant has not been reported in the literature. This variant is reported in 0.044% of alleles in individuals of European (Non-Finnish) descent in gnomAD. At this time, the clinical significance of this variant is uncertain due to the absence of conclusive functional and genetic evidence.

Labcorp Genetics (formerly Invitae), Labcorp
Classification: Likely benign. Last evaluated: 2026-01-21. Review status: criteria provided, single submitter. Criteria: Invitae Variant Classification Sherloc (09022015). Collection method: clinical testing. Allele origin: germline.

GeneDx
Classification: Uncertain significance. Last evaluated: 2025-02-20. Review status: criteria provided, single submitter. Criteria: GeneDx Variant Classification Process June 2021. Collection method: clinical testing. Allele origin: germline. Affected: yes.
Comment: In silico analysis indicates that this missense variant does not alter protein structure/function; Has not been previously published as pathogenic or benign to our knowledge

Blueprint Genetics
Classification: Uncertain significance. Last evaluated: 2024-10-24. Review status: criteria provided, single submitter. Criteria: ACMG Guidelines, 2015. Collection method: clinical testing. Allele origin: germline.

Mayo Clinic Laboratories, Mayo Clinic
Classification: Uncertain significance. Last evaluated: 2022-04-13. Review status: criteria provided, single submitter. Criteria: ACMG Guidelines, 2015. Collection method: clinical testing. Allele origin: germline. Observed: 1 variant allele.
Comment: PM2_supporting

Fulgent Genetics
Classification: Uncertain significance for Febrile seizures, familial, 4; Usher syndrome type 2C. Last evaluated: 2022-01-21. Review status: criteria provided, single submitter. Criteria: ACMG Guidelines, 2015. Collection method: clinical testing. Allele origin: unknown.

Laboratory for Molecular Medicine, Mass General Brigham Personalized Medicine
Classification: Uncertain significance. Last evaluated: 2018-03-21. Review status: criteria provided, single submitter. Criteria: LMM Criteria. Collection method: clinical testing. Allele origin: germline. Observed: 3 variant alleles.
Comment: The p.Ala1503Thr variant in ADGRV1 has been previously identified by our laborat ory in two individuals with hearing loss; however a variant affecting the remain ing copy of ADGRV1 was not identified in either individual. This variant has bee n identified in 56/126586 European chromosomes by the Genome Aggregation Databas e (gnomAD; dbSNP rs201391886) and is reported in ClinVar (Variation ID: 110040). Although this variant has been seen in the g eneral population, its frequency is not high enough to rule out a pathogenic rol e. Computational prediction tools and conservation analysis do not provide stron g support for or against an impact to the protein. In summary, the clinical sign ificance of the p.Ala1503Thr variant is uncertain. ACMG/AMP Criteria applied: No ne.

Illumina Laboratory Services, Illumina
Classification: Uncertain significance for Usher syndrome type 2C. Last evaluated: 2018-01-13. Review status: criteria provided, single submitter. Criteria: ICSL Variant Classification Criteria 13 December 2019. Collection method: clinical testing. Allele origin: germline.

CeGaT Center for Human Genetics Tuebingen
Classification: Uncertain significance. Last evaluated: 2016-10-31. Review status: criteria provided, single submitter. Criteria: Praxis fuer Humangenetik Tuebingen - Variant Classification Criteria. Collection method: clinical testing. Allele origin: germline. Affected: yes. Observed: 1 variant allele.

Eurofins Ntd Llc (ga)
Classification: Uncertain significance. Last evaluated: 2014-11-14. Review status: criteria provided, single submitter. Criteria: EGL Classification Definitions 2015. Collection method: clinical testing. Allele origin: germline. Observed: 2 variant alleles, 2 heterozygotes.

Institute of Human Genetics, Univ. Regensburg, Univ. Regensburg
Classification: Uncertain significance for Retinal dystrophy. Last evaluated: 2022-01-01. Review status: no assertion criteria provided. Criteria: ACMG Guidelines, 2015. Collection method: clinical testing. Allele origin: germline. Affected: yes. Not counted in ClinVar's aggregate classification.

Clinical Genetics DNA and cytogenetics Diagnostics Lab, Erasmus MC, Erasmus Medical Center
Classification: Uncertain significance. Review status: no assertion criteria provided. Collection method: clinical testing. Allele origin: germline. Affected: yes. Study: VKGL Data-share Consensus. Not counted in ClinVar's aggregate classification.

Diagnostic Laboratory, Department of Genetics, University Medical Center Groningen
Classification: Uncertain significance. Review status: no assertion criteria provided. Collection method: clinical testing. Allele origin: germline. Affected: yes. Study: VKGL Data-share Consensus. Not counted in ClinVar's aggregate classification.